The following is an entry in ClinVar:

NM_000179.3(MSH6):c.337C>A (p.His113Asn)

Gene: MSH6 (mutS homolog 6; plus strand). Cytogenetic location: 2p16.3.
Variant type: single nucleotide variant.
Coding change: c.337C>A on transcript NM_000179.3 (MANE Select); coding-DNA position 337, C replaced by A.
Protein change: p.His113Asn; replaces histidine 113 with asparagine.
Molecular consequence: missense variant. On other transcripts: 5 prime UTR variant (7), non-coding transcript variant (5), intron variant (6).
Genome position (GRCh38, 1-based): chr2:47,791,003, C>A. VCF-style: chr2-47791003-C-A. GRCh37 (hg19) VCF-style: chr2-48018142-C-A.
Other names: c.-400C>A (NM_001281493.2, NM_001406811.1, NM_001406823.1 and 1 more transcripts); c.-566C>A (NM_001281494.2); c.433C>A, p.His145Asn (NM_001406795.1, NM_001406802.1); c.337C>A, p.His113Asn (NM_001406796.1, NM_001406798.1, NM_001406800.1 and 6 more transcripts); c.40C>A, p.His14Asn (NM_001406797.1, NM_001406801.1, NM_001406805.1 and 10 more transcripts); c.259C>A, p.His87Asn (NM_001406804.1); c.-592C>A (NM_001406807.1); c.-658C>A (NM_001406814.1); and 6 more; short protein forms H113N, H145N, H14N, H57N, H87N.
Identifiers: ClinVar variation 3230547 (VCV003230547.1), dbSNP rs1572708687, ClinGen allele CA346736959.

ClinVar aggregate classification (germline): Uncertain significance (1 of 4 stars; one submission).

Conditions:
Hereditary cancer-predisposing syndrome. Also called: Neoplastic Syndromes, Hereditary; Tumor predisposition; Hereditary neoplastic syndrome; Hereditary Cancer Syndrome. Identifiers: Orphanet 140162, MedGen C0027672, MeSH D009386, MONDO:0015356.

Submission:

Ambry Genetics
Classification: Uncertain significance for Hereditary cancer-predisposing syndrome. Last evaluated: 2023-12-29. Review status: criteria provided, single submitter. Criteria: Ambry Variant Classification Scheme 2023. Collection method: clinical testing. Allele origin: germline.
Comment: The p.H113N variant (also known as c.337C>A), located in coding exon 2 of the MSH6 gene, results from a C to A substitution at nucleotide position 337. The histidine at codon 113 is replaced by asparagine, an amino acid with similar properties. This amino acid position is conserved. In addition, the in silico prediction for this alteration is inconclusive. Since supporting evidence is limited at this time, the clinical significance of this alteration remains unclear.